The following is an entry in ClinVar:

NM_024426.6(WT1):c.170del (p.Arg57fs)

Genes: WT1 (WT1 transcription factor; minus strand), LOC107982234 (WT1/WT1-AS bi-directional promoter region; plus strand). Cytogenetic location: 11p13.
Variant type: Deletion.
Coding change: c.170del on transcript NM_024426.6 (MANE Select); coding-DNA position 170, one base deleted (G; older notation c.170delG).
Protein change: p.Arg57fs; shifts the reading frame from arginine 57.
Molecular consequence: frameshift variant. On other transcripts: 5 prime UTR variant (4), non-coding transcript variant (2).
Genome position (GRCh38, 1-based): chr11:32,435,191, C deleted on the plus strand (G on the coding strand, the reverse complement: WT1 is on the minus strand). VCF-style (leftmost placement, unchanged base first): chr11-32435190-AC-A. GRCh37 (hg19) VCF-style: chr11-32456736-AC-A.
Other names: c.170del, p.Arg57fs (NM_000378.6, NM_001407044.1, NM_001407045.1 and 6 more transcripts); c.-50del (NM_001429031.1, NM_001429032.1, NM_001429033.1 and 1 more transcripts); short protein forms R57fs.
Identifiers: ClinVar variation 3817439 (VCV003817439.1).

ClinVar aggregate classification (germline): Uncertain significance (1 of 4 stars; one submission).

Conditions:
Inborn genetic diseases. Identifiers: MedGen C0950123, MeSH D030342.

Submission:

Ambry Genetics
Classification: Uncertain significance for Inborn genetic diseases. Last evaluated: 2024-12-20. Review status: criteria provided, single submitter. Criteria: Ambry Variant Classification Scheme 2023. Collection method: clinical testing. Allele origin: germline.
Comment: The c.155delG variant, located in coding exon 1 of the WT1 gene, results from a deletion of one nucleotide at nucleotide position 155, causing a translational frameshift with a predicted alternate stop codon (p.R52Lfs*25). The predicted stop codon occurs in the 5&rsquo; end of theWT1 gene. Premature termination codons in the 5&rsquo; end of a gene have been reported to escape nonsense-mediated mRNAdecay and/or lead to re-initiation (Rivas et al. Science. 2015 May 8;348(6235):666-9; Lindeboom et al. Nat Genet. 2016 Oct;48(10):1112-8; Rhee et al. Sci Rep. 2017 May 10;7(1):1653). The exact functional effect of this alteration is unknown. Since supporting evidence is limited at this time, the clinical significance of this alteration remains unclear.